The following is an entry in ClinVar:

NM_000465.4(BARD1):c.707A>T (p.Lys236Met)

Gene: BARD1 (BRCA1 associated RING domain 1; minus strand). Cytogenetic location: 2q35.
Variant type: single nucleotide variant.
Coding change: c.707A>T on transcript NM_000465.4 (MANE Select); coding-DNA position 707, A replaced by T.
Protein change: p.Lys236Met; replaces lysine 236 with methionine.
Molecular consequence: missense variant. On other transcripts: non-coding transcript variant (2), intron variant (3).
Genome position (GRCh38, 1-based): chr2:214,781,167, T>A on the plus strand (A>T on the coding strand, the complement: BARD1 is on the minus strand). VCF-style: chr2-214781167-T-A. GRCh37 (hg19) VCF-style: chr2-215645891-T-A.
Other names: c.707A>T (NM_000465.2); c.650A>T, p.Lys217Met (NM_001282543.2); c.158+28245A>T (NM_001282548.2); c.215+15894A>T (NM_001282545.2); c.364+11130A>T (NM_001282549.2); short protein forms K217M, K236M.
Identifiers: ClinVar variation 1506130 (VCV001506130.9), dbSNP rs1488654033, ClinGen allele CA350456316.

ClinVar aggregate classification (germline): Uncertain significance. Review status: criteria provided, multiple submitters, no conflicts (2 of 4 stars). 2 submissions from 2 submitters: Uncertain significance (2). Last evaluated 2024-05-27.

Conditions:
Hereditary cancer-predisposing syndrome. Also called: Hereditary neoplastic syndrome; Tumor predisposition; Neoplastic Syndromes, Hereditary; Hereditary Cancer Syndrome. Identifiers: Orphanet 140162, MedGen C0027672, MeSH D009386, MONDO:0015356.
Familial cancer of breast. Also called: hereditary breast carcinoma; Hereditary breast cancer; BREAST CANCER, FAMILIAL. Identifiers: Orphanet 227535, MedGen C0346153, MONDO:0016419, OMIM 114480. Disease mechanism: loss of function.

Submissions (2):

Ambry Genetics
Classification: Uncertain significance for Hereditary cancer-predisposing syndrome. Last evaluated: 2024-05-27. Review status: criteria provided, single submitter. Criteria: Ambry Variant Classification Scheme 2023. Collection method: clinical testing. Allele origin: germline.
Comment: The p.K236M variant (also known as c.707A>T), located in coding exon 4 of the BARD1 gene, results from an A to T substitution at nucleotide position 707. The lysine at codon 236 is replaced by methionine, an amino acid with similar properties. This amino acid position is conserved. In addition, the in silico prediction for this alteration is inconclusive. Based on the available evidence, the clinical significance of this variant remains unclear.

Labcorp Genetics (formerly Invitae), Labcorp
Classification: Uncertain significance for Familial cancer of breast. Last evaluated: 2021-07-10. Review status: criteria provided, single submitter. Criteria: Invitae Variant Classification Sherloc (09022015). Collection method: clinical testing. Allele origin: germline.
Comment: This sequence change replaces lysine with methionine at codon 236 of the BARD1 protein (p.Lys236Met). The lysine residue is highly conserved and there is a moderate physicochemical difference between lysine and methionine. This variant is not present in population databases (ExAC no frequency). In summary, the available evidence is currently insufficient to determine the role of this variant in disease. Therefore, it has been classified as a Variant of Uncertain Significance. Algorithms developed to predict the effect of missense changes on protein structure and function are either unavailable or do not agree on the potential impact of this missense change (SIFT: "Deleterious"; PolyPhen-2: "Probably Damaging"; Align-GVGD: "Class C0"). This variant has not been reported in the literature in individuals affected with BARD1-related conditions.